The following is an entry in ClinVar:

ClinVar aggregate classification (germline): Uncertain significance (1 of 4 stars; one submission).

Submission:

GeneDx
Classification: Uncertain significance. Last evaluated: 2023-06-14. Review status: criteria provided, single submitter. Criteria: GeneDx Variant Classification Process June 2021. Collection method: clinical testing. Allele origin: germline. Affected: yes.
Comment: Nonsense variant predicted to result in protein truncation as the last 16 amino acids are lost in a gene for which loss-of-function is not an established mechanism of disease; Has not been previously published as pathogenic or benign to our knowledge

NM_006828.4(ASCC3):c.6559C>T (p.Gln2187Ter)

Gene: ASCC3 (activating signal cointegrator 1 complex subunit 3; minus strand). Cytogenetic location: 6q16.3.
Variant type: single nucleotide variant.
Coding change: c.6559C>T on transcript NM_006828.4 (MANE Select); coding-DNA position 6559, C replaced by T.
Protein change: p.Gln2187Ter; replaces glutamine 2187 with a stop codon.
Molecular consequence: nonsense.
Genome position (GRCh38, 1-based): chr6:100,509,436, G>A on the plus strand (C>T on the coding strand, the complement: ASCC3 is on the minus strand). VCF-style: chr6-100509436-G-A. GRCh37 (hg19) VCF-style: chr6-100957312-G-A.
Other names: short protein forms Q2187*.
Identifiers: ClinVar variation 3360000 (VCV003360000.1).